The following is an entry in ClinVar:

ClinVar aggregate classification (germline): Uncertain significance (1 of 4 stars; one submission).

Conditions:
Epidermolysis bullosa simplex 3, localized or generalized intermediate, with BP230 deficiency (EBS3). Also called: Epidermolysis bullosa simplex, autosomal recessive 2; Epidermolysis bullosa simplex due to BP230 deficiency. Identifiers: Orphanet 412181, MedGen C3809470, MONDO:0014180, OMIM 615425.
Hereditary sensory and autonomic neuropathy type 6. Also called: Neuropathy, hereditary sensory and autonomic, type VI; HSAN VI. Identifiers: Orphanet 314381, MedGen C3539003, MONDO:0013839, OMIM 614653.

Allele frequency attached by ClinVar (database versions not stated): gnomAD exomes 0.00001; TOPMed 0.00001; ExAC 0.00002.
gnomAD v4.1: 11 of 1,613,854 alleles (0.00068%); highest among the groups gnomAD compares: Non-Finnish European, 0.00085%; no homozygotes.

Submission:

Labcorp Genetics (formerly Invitae), Labcorp
Classification: Uncertain significance for Epidermolysis bullosa simplex 3, localized or generalized intermediate, with BP230 deficiency; Hereditary sensory and autonomic neuropathy type 6. Last evaluated: 2022-08-31. Review status: criteria provided, single submitter. Criteria: Invitae Variant Classification Sherloc (09022015). Collection method: clinical testing. Allele origin: germline.
Comment: The DST gene has multiple clinically relevant transcripts. This variant occurs in alternate transcript NM_015548.4, and corresponds to NM_001723.5:c.*21615G>A in the primary transcript. This sequence change replaces glycine, which is neutral and non-polar, with serine, which is neutral and polar, at codon 1540 of the DST protein (p.Gly1540Ser). This variant is present in population databases (rs748277363, gnomAD 0.0009%). This variant has not been reported in the literature in individuals affected with DST-related conditions. In summary, the available evidence is currently insufficient to determine the role of this variant in disease. Therefore, it has been classified as a Variant of Uncertain Significance.

NM_001374736.1(DST):c.12487G>A (p.Gly4163Ser)

Genes: DST (dystonin; minus strand), LOC129996656 (ATAC-STARR-seq lymphoblastoid active region 24702; plus strand). Cytogenetic location: 6p12.1.
Variant type: single nucleotide variant.
Coding change: c.12487G>A on transcript NM_001374736.1 (MANE Select); coding-DNA position 12487, G replaced by A.
Protein change: p.Gly4163Ser; replaces glycine 4163 with serine.
Molecular consequence: missense variant.
Genome position (GRCh38, 1-based): chr6:56,593,902, C>T on the plus strand (G>A on the coding strand, the complement: DST is on the minus strand). VCF-style: chr6-56593902-C-T. GRCh37 (hg19) VCF-style: chr6-56458700-C-T.
Other names: c.6130G>A, p.Gly2044Ser (NM_001144769.5); c.5716G>A, p.Gly1906Ser (NM_001144770.2); c.12487G>A, p.Gly4163Ser (NM_001374722.1); c.11854G>A, p.Gly3952Ser (NM_001374729.1); c.5596G>A, p.Gly1866Ser (NM_001374730.1, NM_183380.4); c.12514G>A, p.Gly4172Ser (NM_001374734.1); c.4618G>A, p.Gly1540Ser (NM_015548.5); short protein forms G1540S, G1866S, G1906S, G2044S, G3952S, G4172S, G4163S.
Identifiers: ClinVar variation 969412 (VCV000969412.7), dbSNP rs748277363, ClinGen allele CA3868444.